The following is an entry in ClinVar:

NM_173660.5(DOK7):c.1171G>T (p.Gly391Trp)

Gene: DOK7 (docking protein 7; plus strand). Cytogenetic location: 4p16.3.
Variant type: single nucleotide variant.
Coding change: c.1171G>T on transcript NM_173660.5 (MANE Select); coding-DNA position 1171, G replaced by T.
Protein change: p.Gly391Trp; replaces glycine 391 with tryptophan.
Molecular consequence: missense variant. On other transcripts: 3 prime UTR variant (1).
Genome position (GRCh38, 1-based): chr4:3,493,157, G>T. VCF-style: chr4-3493157-G-T. GRCh37 (hg19) VCF-style: chr4-3494884-G-T.
Other names: c.*392G>T (NM_001164673.2); c.241G>T, p.Gly81Trp (NM_001256896.2); c.1171G>T, p.Gly391Trp (NM_001301071.2); c.739G>T, p.Gly247Trp (NM_001363811.2); short protein forms G81W, G391W, G247W.
Identifiers: ClinVar variation 2165759 (VCV002165759.4), dbSNP rs144158112, ClinGen allele CA356117488.
Genomic context (GRCh38, chr4:3,493,157, plus strand): 5'-TCACTGCTCAGCCTGCCAGCAGCGGGGGCCCCCGAGCCCAGCCTGTGCACCTGCCTGCCC[G>T]GGACAGTCGAGTACCAGGTGCCCACCTCCCTGCGGGCCCACTATGACACACCACGCAGCC-3'
Protein context (NP_775931.3, residues 381-401): PEPSLCTCLP[Gly391Trp]TVEYQVPTSL

ClinVar aggregate classification (germline): Uncertain significance (1 of 4 stars; one submission).

Conditions:
Congenital myasthenic syndrome 10. Also called: Myasthenia, limb-girdle, familial. Identifiers: Orphanet 590, MedGen C1850792, MONDO:0009690, OMIM 254300.
Fetal akinesia deformation sequence 1 (FADS1). Also called: Fetal akinesia sequence; Pena-Shokeir syndrome type I. Identifiers: Orphanet 994, MedGen C1276035, MONDO:0100101, OMIM 208150, HP:0001989.

gnomAD v4.1: 2 of 1,605,704 alleles (0.00012%); highest among the groups gnomAD compares: Admixed American, 0.0017%; no homozygotes.

Submission:

Labcorp Genetics (formerly Invitae), Labcorp
Classification: Uncertain significance for Congenital myasthenic syndrome 10; Fetal akinesia deformation sequence 1. Last evaluated: 2022-04-27. Review status: criteria provided, single submitter. Criteria: Invitae Variant Classification Sherloc (09022015). Collection method: clinical testing. Allele origin: germline.
Comment: In summary, the available evidence is currently insufficient to determine the role of this variant in disease. Therefore, it has been classified as a Variant of Uncertain Significance. Algorithms developed to predict the effect of missense changes on protein structure and function are either unavailable or do not agree on the potential impact of this missense change (SIFT: "Deleterious"; PolyPhen-2: "Probably Damaging"; Align-GVGD: "Class C0"). This variant has not been reported in the literature in individuals affected with DOK7-related conditions. The frequency data for this variant in the population databases is considered unreliable, as metrics indicate poor data quality at this position in the gnomAD database. This sequence change replaces glycine, which is neutral and non-polar, with tryptophan, which is neutral and slightly polar, at codon 391 of the DOK7 protein (p.Gly391Trp).